The following is an entry in ClinVar:

ClinVar aggregate classification (germline): Pathogenic (1 of 4 stars; one submission).

Conditions:
Autosomal dominant nonsyndromic hearing loss 65. Also called: Deafness, autosomal dominant 65; TBC1D24-Related Autosomal Dominant Nonsyndromic Hearing Loss (DFNA). Identifiers: Orphanet 90635, MedGen C3892048, MONDO:0014470, OMIM 616044.
Developmental and epileptic encephalopathy, 1 (DEE1). Also called: Epileptic encephalopathy, early infantile, 1; X-linked infantile spasms; West's syndrome; Tonic spasms with clustering, arrest of psychomotor development and hypsarrhythmia on EEG; X-Linked Infantile Spasm Syndrome; OHTAHARA SYNDROME, X-LINKED. Identifiers: MedGen C3463992, MONDO:0010632, OMIM 308350. Disease mechanism: loss of function.

Submission:

Labcorp Genetics (formerly Invitae), Labcorp
Classification: Pathogenic for Developmental and epileptic encephalopathy, 1; Autosomal dominant nonsyndromic hearing loss 65. Last evaluated: 2022-01-28. Review status: criteria provided, single submitter. Criteria: Invitae Variant Classification Sherloc (09022015). Collection method: clinical testing. Allele origin: germline.
Comment: For these reasons, this variant has been classified as Pathogenic. ClinVar contains an entry for this variant (Variation ID: 569501). This variant has not been reported in the literature in individuals affected with TBC1D24-related conditions. This variant is not present in population databases (gnomAD no frequency). This sequence change creates a premature translational stop signal (p.Tyr377*) in the TBC1D24 gene. It is expected to result in an absent or disrupted protein product. Loss-of-function variants in TBC1D24 are known to be pathogenic (PMID: 23526554, 24291220).

Literature cited by the submitters: PubMed 23526554; PubMed 24291220.

NM_001199107.2(TBC1D24):c.1131C>G (p.Tyr377Ter)

Gene: TBC1D24 (TBC1 domain family member 24; plus strand). Cytogenetic location: 16p13.3.
Variant type: single nucleotide variant.
Coding change: c.1131C>G on transcript NM_001199107.2 (MANE Select); coding-DNA position 1131, C replaced by G.
Protein change: p.Tyr377Ter; replaces tyrosine 377 with a stop codon.
Molecular consequence: nonsense.
Genome position (GRCh38, 1-based): chr16:2,498,385, C>G. VCF-style: chr16-2498385-C-G. GRCh37 (hg19) VCF-style: chr16-2548386-C-G.
Other names: c.1113C>G, p.Tyr371Ter (NM_020705.3); short protein forms Y377*, Y371*.
Identifiers: ClinVar variation 569501 (VCV000569501.7), dbSNP rs1567413218, ClinGen allele CA394379074.